The following is an entry in ClinVar:

GRCh37/hg19 5q35.2-35.3(chr5:176516440-177773252)x3

Genes: B4GALT7 (beta-1,4-galactosyltransferase 7; plus strand), COL23A1 (collagen type XXIII alpha 1 chain; minus strand), DBN1 (drebrin 1; minus strand), DDX41 (DEAD-box helicase 41; minus strand), DOK3 (docking protein 3; minus strand) and 22 more. Cytogenetic location: 5q35.2-35.3.
Variant type: copy number gain.
Change: copy number 3 (three copies instead of two) of chr5:176,516,440-177,773,252 (1.26 Mb, GRCh37 coordinates, 1-based), cytogenetic band 5q35.2-35.3.
Identifiers: ClinVar variation 1808750 (VCV001808750.1).

ClinVar aggregate classification (germline): Likely pathogenic (1 of 4 stars; one submission).

Submission:

Quest Diagnostics Nichols Institute San Juan Capistrano
Classification: Likely pathogenic. Last evaluated: 2021-06-08. Review status: criteria provided, single submitter. Criteria: ACMG/ClinGen CNV Guidelines, 2019. Collection method: clinical testing. Allele origin: unknown.
Comment: The copy number gain of 5q35.2q35.3 involves multiple protein-coding genes, including NSD1 (OMIM 606681), SLC34A1 (OMIM 182309), and F12 (OMIM 610619). Haploinsufficiency of NSD1 is associated with Sotos syndrome 1 (OMIM 117550). The NSD1 gene however is not currently classified as triplosensitive although it is contained within the shortest region of overlap within a larger 5q35 recurrent region associated with \reversed\" Sotos syndrome phenotype, commonly including short stature, microcephaly, delayed bone age, and developmental delay/intellectual disability. Case reports with smaller overlapping duplications of this region, and include NSD1, were described with Silver-Russell syndrome (SRS) and three with reverse Sotos syndrome (Kirchhoff et al., Eur J Med Genet. Jan-Feb2007;50(1):33-42. PMID: 17090394; Reis et al., Genet Mol Res. 2017Jan 23;16(1). PMID: 28128410; Sachwitz et al., Clin Genet. 2017Jan;91(1):73-78. PMID: 27172843; Rosenfeld et al., Mol Syndromol.2013 Jan;3(6):247-54. PMID: 23599694). The individual with SRS carried a de novo 381 Kb duplication. Two individuals with reverse Sotos syndrome carried de novo duplications and one carried a maternally inherited duplication. All patients had phenotypes involving growth retardation and facial anomalies. Heterozygous sequence variants of SLC34A1 and F12 are associated with autosomal dominant disorders, hypophosphatemic nephrolithiasis/osteoporosis-1 (OMIM 612286) and hereditary angioedema type III (OMIM 610618), respectively. There are no similar copy number gains of this region in the general populations of the Database of Genomic Variants. Thus, the clinical significance of this copy number variant (CNV) is likely pathogenic."